The following is an entry in ClinVar:

NM_020297.4(ABCC9):c.2090C>T (p.Thr697Ile)

Gene: ABCC9 (ATP binding cassette subfamily C member 9; minus strand). Cytogenetic location: 12p12.1.
Variant type: single nucleotide variant.
Coding change: c.2090C>T on transcript NM_020297.4 (MANE Select); coding-DNA position 2090, C replaced by T.
Protein change: p.Thr697Ile; replaces threonine 697 with isoleucine.
Molecular consequence: missense variant.
Genome position (GRCh38, 1-based): chr12:21,875,656, G>A on the plus strand (C>T on the coding strand, the complement: ABCC9 is on the minus strand). VCF-style: chr12-21875656-G-A. GRCh37 (hg19) VCF-style: chr12-22028590-G-A.
Other names: c.2090C>T, p.Thr697Ile (NM_001377273.1, NM_005691.4); c.1226C>T, p.Thr409Ile (NM_001377274.1); short protein forms T409I, T697I.
Identifiers: ClinVar variation 1404272 (VCV001404272.8), dbSNP rs764471784, ClinGen allele CA384134171.

ClinVar aggregate classification (germline): Uncertain significance (1 of 4 stars; one submission).

Conditions:
Dilated cardiomyopathy 1O (CMD1O). Also called: CARDIOMYOPATHY, DILATED, WITH VENTRICULAR TACHYCARDIA. Identifiers: Orphanet 154, MedGen C1837839, MONDO:0012062, OMIM 608569.

Submission:

Labcorp Genetics (formerly Invitae), Labcorp
Classification: Uncertain significance for Dilated cardiomyopathy 1O. Last evaluated: 2021-07-05. Review status: criteria provided, single submitter. Criteria: Invitae Variant Classification Sherloc (09022015). Collection method: clinical testing. Allele origin: germline.
Comment: This sequence change replaces threonine with isoleucine at codon 697 of the ABCC9 protein (p.Thr697Ile). The threonine residue is moderately conserved and there is a moderate physicochemical difference between threonine and isoleucine. This variant has not been reported in the literature in individuals affected with ABCC9-related conditions. In summary, the available evidence is currently insufficient to determine the role of this variant in disease. Therefore, it has been classified as a Variant of Uncertain Significance. Algorithms developed to predict the effect of missense changes on protein structure and function (SIFT, PolyPhen-2, Align-GVGD) all suggest that this variant is likely to be tolerated. This variant is not present in population databases (ExAC no frequency).